The following is an entry in ClinVar:

NM_032271.3(TRAF7):c.1899G>A (p.Met633Ile)

Gene: TRAF7 (TNF receptor associated factor 7; plus strand). Cytogenetic location: 16p13.3.
Variant type: single nucleotide variant.
Coding change: c.1899G>A on transcript NM_032271.3 (MANE Select); coding-DNA position 1899, G replaced by A.
Protein change: p.Met633Ile; replaces methionine 633 with isoleucine.
Molecular consequence: missense variant.
Genome position (GRCh38, 1-based): chr16:2,176,285, G>A. VCF-style: chr16-2176285-G-A. GRCh37 (hg19) VCF-style: chr16-2226286-G-A.
Other names: short protein forms M633I.
Identifiers: ClinVar variation 4526660 (VCV004526660.2).
Genomic context (GRCh38, chr16:2,176,285, plus strand): 5'-GCTGAGCTCCGGCGGGCCCTCACGTCCCATGTGCCCCCAGGTCTGGAGTATGGACAACAT[G>A]ATCTGCACGCAGACCCTGCTGCGTCACCAGGGCAGTGTCACCGCGCTGGCTGTGTCCCGG-3'
Protein context (NP_115647.2, residues 623-643): RSLRVWSMDN[Met633Ile]ICTQTLLRHQ

ClinVar aggregate classification (germline): Likely pathogenic. Review status: criteria provided, single submitter (1 of 4 stars). 2 submissions from 1 submitter: Likely pathogenic (2). Last evaluated 2026-03-27.

Conditions:
Cone-rod synaptic disorder syndrome, congenital nonprogressive. Identifiers: MedGen C5436505, MONDO:0033543, OMIM 618970.
Cardiac, facial, and digital anomalies with developmental delay. Identifiers: Orphanet 592570, MedGen C4748484, MONDO:0032572, OMIM 618164.

Submissions (2):

Center for Human Genetics and Genomic Medicine, Uniklinik Rwth Aachen
Classification: Likely pathogenic for Cone-rod synaptic disorder syndrome, congenital nonprogressive. Last evaluated: 2026-03-27. Review status: criteria provided, single submitter. Criteria: ACMG Guidelines, 2015. Collection method: clinical testing. Allele origin: de novo. Affected: yes.

Center for Human Genetics and Genomic Medicine, Uniklinik Rwth Aachen
Classification: Likely pathogenic for Cardiac, facial, and digital anomalies with developmental delay. Last evaluated: 2025-02-20. Review status: criteria provided, single submitter. Criteria: ACMG Guidelines, 2015. Collection method: clinical testing. Allele origin: de novo. Inheritance: Autosomal dominant inheritance. Affected: yes. Observed: 1 heterozygote.
Comment: The variant is not listed in the general population (gnomAD v4.0.0). It has not yet been described in the literature or the ClinVar database. The variant is located in the WD40 domain, where other pathogenic TRAF7 variants have also been reported. Bioinformatic evaluations of the alteration are inconsistent (REVEL score: 0.188, CADDphred: 24.9). At present, the variant is considered a "likely pathogenic variant" (PS2_moderate, PM1, PM2_supporting, PP2, ACMG criteria).